The following is an entry in ClinVar:

NM_001242896.3(DEPDC5):c.1172C>T (p.Ser391Phe)

Gene: DEPDC5 (DEP domain containing 5, GATOR1 subcomplex subunit; plus strand). Cytogenetic location: 22q12.3.
Variant type: single nucleotide variant.
Coding change: c.1172C>T on transcript NM_001242896.3 (MANE Select); coding-DNA position 1172, C replaced by T.
Protein change: p.Ser391Phe; replaces serine 391 with phenylalanine.
Molecular consequence: missense variant. On other transcripts: non-coding transcript variant (5).
Genome position (GRCh38, 1-based): chr22:31,804,870, C>T. VCF-style: chr22-31804870-C-T. GRCh37 (hg19) VCF-style: chr22-32200856-C-T.
Other names: c.1172C>T, p.Ser391Phe (NM_001363852.2, NM_001363854.2, NM_001364318.2 and 7 more transcripts); c.1088C>T, p.Ser363Phe (NM_001369901.1, NM_001369902.1); short protein forms S363F, S391F.
Identifiers: ClinVar variation 3627718 (VCV003627718.2).
Genomic context (GRCh38, chr22:31,804,870, plus strand): 5'-GCTTATCTGTGCTCTCATTTTTCTCCTTGCAGCTCCATAATCGGAGTGCTCCCCGTGATT[C>T]TCGTCTGGGCGATGACTATAATATCCCTCACTGGATAAACCACAGGTGGGTGCGATCTCG-3'
Protein context (NP_001229825.1, residues 381-401): KLHNRSAPRD[Ser391Phe]RLGDDYNIPH

ClinVar aggregate classification (germline): Uncertain significance (1 of 4 stars; one submission).

Conditions:
Familial focal epilepsy with variable foci (FPEVF). Identifiers: Orphanet 98820, MedGen C1858477, MONDO:0020310.

gnomAD v4.1: 3 of 1,613,888 alleles (0.00019%); highest among the groups gnomAD compares: Non-Finnish European, 0.00025%; no homozygotes.

Submission:

Labcorp Genetics (formerly Invitae), Labcorp
Classification: Uncertain significance for Familial focal epilepsy with variable foci. Last evaluated: 2025-01-30. Review status: criteria provided, single submitter. Criteria: Invitae Variant Classification Sherloc (09022015). Collection method: clinical testing. Allele origin: germline.
Comment: This sequence change replaces serine, which is neutral and polar, with phenylalanine, which is neutral and non-polar, at codon 391 of the DEPDC5 protein (p.Ser391Phe). This variant is present in population databases (no rsID available, gnomAD 0.007%). This variant has not been reported in the literature in individuals affected with DEPDC5-related conditions. Experimental studies and prediction algorithms are not available or were not evaluated, and the functional significance of this variant is currently unknown. In summary, the available evidence is currently insufficient to determine the role of this variant in disease. Therefore, it has been classified as a Variant of Uncertain Significance.